The following is an entry in ClinVar:

NM_021147.5(CCNO):c.445C>A (p.Leu149Ile)

Gene: CCNO (cyclin O; minus strand). Cytogenetic location: 5q11.2.
Variant type: single nucleotide variant.
Coding change: c.445C>A on transcript NM_021147.5 (MANE Select); coding-DNA position 445, C replaced by A.
Protein change: p.Leu149Ile; replaces leucine 149 with isoleucine.
Molecular consequence: missense variant. On other transcripts: non-coding transcript variant (3).
Genome position (GRCh38, 1-based): chr5:55,232,483, G>T on the plus strand (C>A on the coding strand, the complement: CCNO is on the minus strand). VCF-style: chr5-55232483-G-T. GRCh37 (hg19) VCF-style: chr5-54528311-G-T.
Other names: short protein forms L149I.
Identifiers: ClinVar variation 1409035 (VCV001409035.6), dbSNP rs1170297559, ClinGen allele CA359723373.
Genomic context (GRCh38, chr5:55,232,483, plus strand): 5'-GCGTGGTGGTGAGGAAGCGGTCCAGAGTGTTCACCGTCAGGCACAGCGACTCGAAGGAGA[G>T]GCCGAATTGGCGGTGCACCGGGATCAGCCAGCTGAGCAGCTTACAGCGGGATTCCGCCGT-3'
Protein context (NP_066970.3, residues 139-159): WLIPVHRQFG[Leu149Ile]SFESLCLTVN

ClinVar aggregate classification (germline): Uncertain significance (1 of 4 stars; one submission).

Conditions:
Primary ciliary dyskinesia. Also called: Ciliary dyskinesia. Identifiers: Orphanet 244, MedGen C0008780, MONDO:0016575, HP:0012265.

Submission:

Labcorp Genetics (formerly Invitae), Labcorp
Classification: Uncertain significance for Primary ciliary dyskinesia. Last evaluated: 2021-10-09. Review status: criteria provided, single submitter. Criteria: Invitae Variant Classification Sherloc (09022015). Collection method: clinical testing. Allele origin: germline.
Comment: In summary, the available evidence is currently insufficient to determine the role of this variant in disease. Therefore, it has been classified as a Variant of Uncertain Significance. Algorithms developed to predict the effect of missense changes on protein structure and function are either unavailable or do not agree on the potential impact of this missense change (SIFT: "Deleterious"; PolyPhen-2: "Probably Damaging"; Align-GVGD: "Class C0"). This variant has not been reported in the literature in individuals affected with CCNO-related conditions. This variant is not present in population databases (ExAC no frequency). This sequence change replaces leucine with isoleucine at codon 149 of the CCNO protein (p.Leu149Ile). The leucine residue is highly conserved and there is a small physicochemical difference between leucine and isoleucine.